The following is an entry in ClinVar:

NM_002471.4(MYH6):c.800-12_800-11inv

Gene: MYH6 (myosin heavy chain 6; minus strand). Cytogenetic location: 14q11.2.
Variant type: Inversion.
Coding change: c.800-12_800-11inv on transcript NM_002471.4 (MANE Select).
Molecular consequence: intron variant.
Genome position: GRCh38 VCF-style: chr14-23403457-TG-CA. GRCh37 (hg19) VCF-style: chr14-23872666-TG-CA.
Identifiers: ClinVar variation 4754497 (VCV004754497.1).
Genomic context (GRCh38, chr14:23,403,457, plus strand): 5'-GTTTCTCTCAGCTTTCAGCTGGAAGATCACCCGGGACTTCTCCAGCAGGTCTGAGGTGGG[TG>CA]GAGGGGAGGAAGGCAGGTGAGGAAGGAAAGAGAGTAGAGCCAGAAAAAGGTGGCCATGGG-3'

ClinVar aggregate classification (germline): Uncertain significance (1 of 4 stars; one submission).

Conditions:
Hypertrophic cardiomyopathy 14. Identifiers: MedGen C2750467, MONDO:0013197, OMIM 613251.

Submission:

Labcorp Genetics (formerly Invitae), Labcorp
Classification: Uncertain significance for Hypertrophic cardiomyopathy 14. Last evaluated: 2025-07-16. Review status: criteria provided, single submitter. Criteria: Invitae Variant Classification Sherloc (09022015). Collection method: clinical testing. Allele origin: germline.
Comment: This sequence change falls in intron 9 of the MYH6 gene. It does not directly change the encoded amino acid sequence of the MYH6 protein. Information on the frequency of this variant in the gnomAD database is not available, as this variant may be reported differently in the database. This variant has not been reported in the literature in individuals affected with MYH6-related conditions. Experimental studies and prediction algorithms are not available or were not evaluated, and the effect of this variant on mRNA splicing is currently unknown. In summary, the available evidence is currently insufficient to determine the role of this variant in disease. Therefore, it has been classified as a Variant of Uncertain Significance.